The following is an entry in ClinVar:

ClinVar aggregate classification (germline): Likely pathogenic (1 of 4 stars; one submission).

Conditions:
46,XY sex reversal 3. Also called: 46,XY SEX REVERSAL, PARTIAL OR COMPLETE, NR5A1-RELATED; NR5A1-related 46,XY complete gonadal dysgenesis; 46,XY GONADAL DYSGENESIS, PARTIAL OR COMPLETE, WITH OR WITHOUT ADRENAL FAILURE; DISORDER OF SEX DEVELOPMENT, 46,XY, NR5A1-RELATED; SEX REVERSAL, XY, WITH OR WITHOUT ADRENAL FAILURE. Identifiers: MedGen C3489793, MONDO:0013066, OMIM 612965.

Submission:

3billion
Classification: Likely pathogenic for 46,XY sex reversal 3. Last evaluated: 2025-06-25. Review status: criteria provided, single submitter. Criteria: ACMG Guidelines, 2015. Collection method: clinical testing. Allele origin: germline. Affected: yes.
Comment: The variant is not observed in the gnomAD v4.1.0 dataset. Predicted Consequence/Location: Frameshift: predicted to result in a loss or disruption of normal protein function through nonsense-mediated decay (NMD) or protein truncation. Multiple pathogenic variants are reported downstream of the variant. Therefore, this variant is classified as Likely pathogenic according to the recommendation of ACMG/AMP guideline.

NM_004959.5(NR5A1):c.188del (p.Lys63fs)

Gene: NR5A1 (nuclear receptor subfamily 5 group A member 1; minus strand). Cytogenetic location: 9q33.3.
Variant type: Deletion.
Coding change: c.188del on transcript NM_004959.5 (MANE Select); coding-DNA position 188, one base deleted (A; older notation c.188delA).
Protein change: p.Lys63fs; shifts the reading frame from lysine 63.
Molecular consequence: frameshift variant.
Genome position (GRCh38, 1-based): chr9:124,503,135, T deleted on the plus strand (A on the coding strand, the reverse complement: NR5A1 is on the minus strand); the first of 2 consecutive T bases (chr9:124,503,135-124,503,136); deleting either gives the same sequence. VCF-style (leftmost placement, unchanged base first): chr9-124503134-CT-C. GRCh37 (hg19) VCF-style: chr9-127265413-CT-C.
Other names: short protein forms K63fs.
Identifiers: ClinVar variation 4854588 (VCV004854588.1).